The following is an entry in ClinVar:

ClinVar aggregate classification (germline): Uncertain significance. Review status: criteria provided, multiple submitters, no conflicts (2 of 4 stars). 2 submissions from 2 submitters: Uncertain significance (2). Last evaluated 2025-11-24.

Allele frequency attached by ClinVar (database versions not stated): gnomAD 0.00004; ExAC 0.00007; 1000 Genomes Project 30x 0.00016; ESP Exome Variant Server 0.00016; gnomAD exomes 0.00016; TOPMed 0.00017; 1000 Genomes Project 0.00020.
gnomAD v4.1: 235 of 1,613,622 alleles (0.015%); highest among the groups gnomAD compares: Non-Finnish European, 0.019%; no homozygotes.

Submissions (2):

Labcorp Genetics (formerly Invitae), Labcorp
Classification: Uncertain significance. Last evaluated: 2025-11-24. Review status: criteria provided, single submitter. Criteria: Invitae Variant Classification Sherloc (09022015). Collection method: clinical testing. Allele origin: germline.
Comment: This sequence change replaces valine, which is neutral and non-polar, with methionine, which is neutral and non-polar, at codon 31 of the FUK protein (p.Val31Met). This variant is present in population databases (rs140143924, gnomAD 0.01%). This variant has not been reported in the literature in individuals affected with FUK-related conditions. ClinVar contains an entry for this variant (Variation ID: 2150541). An algorithm developed to predict the effect of missense changes on protein structure and function (PolyPhen-2) suggests that this variant is likely to be tolerated. In summary, the available evidence is currently insufficient to determine the role of this variant in disease. Therefore, it has been classified as a Variant of Uncertain Significance.

Ambry Genetics
Classification: Uncertain significance. Last evaluated: 2024-12-21. Review status: criteria provided, single submitter. Criteria: Ambry Variant Classification Scheme 2023. Collection method: clinical testing. Allele origin: germline.

NM_145059.3(FCSK):c.91G>A (p.Val31Met)

Gene: FCSK (fucose kinase; plus strand). Cytogenetic location: 16q22.1.
Variant type: single nucleotide variant.
Coding change: c.91G>A on transcript NM_145059.3 (MANE Select); coding-DNA position 91, G replaced by A.
Protein change: p.Val31Met; replaces valine 31 with methionine.
Molecular consequence: missense variant.
Genome position (GRCh38, 1-based): chr16:70,463,631, G>A. VCF-style: chr16-70463631-G-A. GRCh37 (hg19) VCF-style: chr16-70497534-G-A.
Other names: c.91G>A (NM_145059.2); short protein forms V31M.
Identifiers: ClinVar variation 2150541 (VCV002150541.5), dbSNP rs140143924, ClinGen allele CA8142730.